The following is an entry in ClinVar:

NM_024665.7(TBL1XR1):c.1258T>G (p.Phe420Val)

Gene: TBL1XR1 (TBL1X/Y related 1; minus strand). Cytogenetic location: 3q26.32.
Variant type: single nucleotide variant.
Coding change: c.1258T>G on transcript NM_024665.7 (MANE Select); coding-DNA position 1258, T replaced by G.
Protein change: p.Phe420Val; replaces phenylalanine 420 with valine.
Molecular consequence: missense variant.
Genome position (GRCh38, 1-based): chr3:177,033,129, A>C on the plus strand (T>G on the coding strand, the complement: TBL1XR1 is on the minus strand). VCF-style: chr3-177033129-A-C. GRCh37 (hg19) VCF-style: chr3-176750917-A-C.
Other names: c.1258T>G, p.Phe420Val (NM_001321193.3, NM_001321194.3, NM_001374327.1 and 2 more transcripts); c.997T>G, p.Phe333Val (NM_001321195.3, NM_001374330.1); short protein forms F333V, F420V.
Identifiers: ClinVar variation 1802079 (VCV001802079.1), dbSNP rs2473594924, ClinGen allele CA355554539.

ClinVar aggregate classification (germline): Uncertain significance (1 of 4 stars; one submission).

Submission:

GeneDx
Classification: Uncertain significance. Last evaluated: 2022-05-31. Review status: criteria provided, single submitter. Criteria: GeneDx Variant Classification Process June 2021. Collection method: clinical testing. Allele origin: germline. Affected: yes.
Comment: Not observed at significant frequency in large population cohorts (gnomAD); In silico analysis supports that this missense variant has a deleterious effect on protein structure/function; Has not been previously published as pathogenic or benign to our knowledge